The following is an entry in ClinVar:

NM_000093.5(COL5A1):c.4333C>T (p.Pro1445Ser)

Gene: COL5A1 (collagen type V alpha 1 chain; plus strand). Cytogenetic location: 9q34.3.
Variant type: single nucleotide variant.
Coding change: c.4333C>T on transcript NM_000093.5 (MANE Select); coding-DNA position 4333, C replaced by T.
Protein change: p.Pro1445Ser; replaces proline 1445 with serine.
Molecular consequence: missense variant.
Genome position (GRCh38, 1-based): chr9:134,818,758, C>T. VCF-style: chr9-134818758-C-T. GRCh37 (hg19) VCF-style: chr9-137710604-C-T.
Other names: c.4333C>T, p.Pro1445Ser (NM_001278074.1); short protein forms P1445S.
Identifiers: ClinVar variation 568806 (VCV000568806.14), dbSNP rs757989702, ClinGen allele CA5320235.
Genomic context (GRCh38, chr9:134,818,758, plus strand): 5'-ATCGGCCCCCAGGGGGCCCCTGGGAAGCCCGGACCGGATGGCCTTCGAGGGATCCCTGGC[C>T]CTGTGGTGAGTAGGCTGTGAGGGGCAGAGGGGTTGCCGAGTGGAGGGACGGGGGACCAGC-3'
Protein context (NP_000084.3, residues 1435-1455): GPDGLRGIPG[Pro1445Ser]VGEQGLPGSP

ClinVar aggregate classification (germline): Uncertain significance. Review status: criteria provided, multiple submitters, no conflicts (2 of 4 stars). 3 submissions from 3 submitters: Uncertain significance (3). Last evaluated 2026-02-17.

Conditions:
Ehlers-Danlos syndrome, classic type, 1 (EDSCL1). Also called: Ehlers-Danlos Syndrome, Classic Type, COL5A1-Related; EDS I; Ehlers-Danlos syndrome, type 1; EHLERS-DANLOS SYNDROME, GRAVIS TYPE; EHLERS-DANLOS SYNDROME, SEVERE CLASSIC TYPE. Identifiers: MedGen C0268335, MONDO:0019567, OMIM 130000.
Familial thoracic aortic aneurysm and aortic dissection (TAAD). Also called: Thoracic aortic aneurysms and dissections. Identifiers: Orphanet 91387, MedGen C4707243, MONDO:0019625.

Allele frequency attached by ClinVar (database versions not stated): gnomAD 0.00001; TOPMed 0.00001; gnomAD exomes 0.00001; ExAC 0.00001.
gnomAD v4.1: 17 of 1,612,354 alleles (0.0011%); highest among the groups gnomAD compares: Non-Finnish European, 0.0014%; no homozygotes.

Submissions (3):

Ambry Genetics
Classification: Uncertain significance for Familial thoracic aortic aneurysm and aortic dissection. Last evaluated: 2026-02-17. Review status: criteria provided, single submitter. Criteria: Ambry Variant Classification Scheme 2023. Collection method: clinical testing. Allele origin: germline.

GeneDx
Classification: Uncertain significance. Last evaluated: 2021-06-30. Review status: criteria provided, single submitter. Criteria: GeneDx Variant Classification Process June 2021. Collection method: clinical testing. Allele origin: germline. Affected: yes.
Comment: Has not been previously published as pathogenic or benign to our knowledge; Not observed at significant frequency in large population cohorts (Lek et al., 2016); In silico analysis supports that this missense variant has a deleterious effect on protein structure/function; Occurs in the triple helical domain at the X position in the canonical Gly-X-Y repeat; although this variant may have an effect on normal protein folding and function, missense substitution at the X position is not a common mechanism of disease (Symoens et al., 2012; Stenson et al., 2014); Reported in ClinVar as a variant of uncertain significance (ClinVar Variant ID# 568806; Landrum et al., 2016); This variant is associated with the following publications: (PMID: 22696272, 26582918, 27535533)

Labcorp Genetics (formerly Invitae), Labcorp
Classification: Uncertain significance for Ehlers-Danlos syndrome, classic type, 1. Last evaluated: 2018-02-24. Review status: criteria provided, single submitter. Criteria: Invitae Variant Classification Sherloc (09022015). Collection method: clinical testing. Allele origin: germline.
Comment: In summary, the available evidence is currently insufficient to determine the role of this variant in disease. Therefore, it has been classified as a Variant of Uncertain Significance. Algorithms developed to predict the effect of missense changes on protein structure and function do not agree on the potential impact of this missense change (SIFT: "Deleterious"; PolyPhen-2: "Benign"; Align-GVGD: "Class C65"). This variant has not been reported in the literature in individuals with COL5A1-related disease. This variant is present in population databases (rs757989702, ExAC 0.002%). This sequence change replaces proline with serine at codon 1445 of the COL5A1 protein (p.Pro1445Ser). The proline residue is highly conserved and there is a moderate physicochemical difference between proline and serine.